The following is an entry in ClinVar:

ClinVar aggregate classification (germline): Uncertain significance (1 of 4 stars; one submission).

Submission:

CeGaT Center for Human Genetics Tuebingen
Classification: Uncertain significance. Last evaluated: 2024-12-01. Review status: criteria provided, single submitter. Criteria: CeGaT Center For Human Genetics Tuebingen Variant Classification Criteria Version 2. Collection method: clinical testing. Allele origin: germline. Affected: yes. Observed: 1 variant allele.
Comment: FOXI3: PM2:Supporting, BP4

NM_001135649.3(FOXI3):c.979A>T (p.Ser327Cys)

Gene: FOXI3 (forkhead box I3; minus strand). Cytogenetic location: 2p11.2.
Variant type: single nucleotide variant.
Coding change: c.979A>T on transcript NM_001135649.3 (MANE Select); coding-DNA position 979, A replaced by T.
Protein change: p.Ser327Cys; replaces serine 327 with cysteine.
Molecular consequence: missense variant.
Genome position (GRCh38, 1-based): chr2:88,448,491, T>A on the plus strand (A>T on the coding strand, the complement: FOXI3 is on the minus strand). VCF-style: chr2-88448491-T-A. GRCh37 (hg19) VCF-style: chr2-88748010-T-A.
Other names: short protein forms S327C.
Identifiers: ClinVar variation 3772162 (VCV003772162.13).